The following is an entry in ClinVar:

ClinVar aggregate classification (germline): Benign/Likely benign. Review status: criteria provided, multiple submitters, no conflicts (2 of 4 stars). 7 submissions from 7 submitters: Benign (4); Likely benign (3). Last evaluated 2026-01-14.

Conditions:
Nephronophthisis 16 (NPHP16). Identifiers: Orphanet 655, MedGen C3809320, MONDO:0014158, OMIM 615382.

Allele frequency attached by ClinVar (database versions not stated): ExAC 0.00280; 1000 Genomes Project 30x 0.00890; 1000 Genomes Project 0.00899; ESP Exome Variant Server 0.00905; TOPMed 0.01004.
gnomAD v4.1: 3,048 of 1,593,224 alleles (0.19%); highest among the groups gnomAD compares: African/African-American, 3.3%; 43 homozygotes.

Submissions (7):

Labcorp Genetics (formerly Invitae), Labcorp
Classification: Benign for Nephronophthisis 16. Last evaluated: 2026-01-14. Review status: criteria provided, single submitter. Criteria: Invitae Variant Classification Sherloc (09022015). Collection method: clinical testing. Allele origin: germline.

Genomic Medicine Center of Excellence, King Faisal Specialist Hospital and Research Centre
Classification: Likely benign for Nephronophthisis 16. Last evaluated: 2024-12-18. Review status: criteria provided, single submitter. Criteria: ACMG Guidelines, 2015. Collection method: clinical testing. Allele origin: germline.

Mayo Clinic Laboratories, Mayo Clinic
Classification: Benign. Last evaluated: 2023-04-19. Review status: criteria provided, single submitter. Criteria: ACMG Guidelines, 2015. Collection method: clinical testing. Allele origin: germline. Observed: 2 variant alleles.
Comment: BS1, BS2, BP4

ARUP Laboratories, Molecular Genetics and Genomics, ARUP Laboratories
Classification: Benign for Nephronophthisis 16. Last evaluated: 2022-03-09. Review status: criteria provided, single submitter. Criteria: ARUP Molecular Germline Variant Investigation Process 2021. Collection method: clinical testing. Allele origin: germline.

GeneDx
Classification: Likely benign. Last evaluated: 2020-12-26. Review status: criteria provided, single submitter. Criteria: GeneDx Variant Classification Process June 2021. Collection method: clinical testing. Allele origin: germline. Affected: yes.

Breakthrough Genomics
Classification: Likely benign. Review status: criteria provided, single submitter. Criteria: ACMG Guidelines, 2015. Collection method: not provided. Allele origin: germline. Inheritance: Autosomal recessive inheritance. Affected: yes.

PreventionGenetics, part of Exact Sciences
Classification: Benign. Review status: criteria provided, single submitter. Criteria: ACMG Guidelines, 2015. Collection method: clinical testing. Allele origin: germline.

NM_173551.5(ANKS6):c.2203C>G (p.Pro735Ala)

Gene: ANKS6 (ankyrin repeat and sterile alpha motif domain containing 6; minus strand). Cytogenetic location: 9q22.33.
Variant type: single nucleotide variant.
Coding change: c.2203C>G on transcript NM_173551.5 (MANE Select); coding-DNA position 2203, C replaced by G.
Protein change: p.Pro735Ala; replaces proline 735 with alanine.
Molecular consequence: missense variant.
Genome position (GRCh38, 1-based): chr9:98,756,543, G>C on the plus strand (C>G on the coding strand, the complement: ANKS6 is on the minus strand). VCF-style: chr9-98756543-G-C. GRCh37 (hg19) VCF-style: chr9-101518825-G-C.
Other names: short protein forms P735A.
Identifiers: ClinVar variation 262848 (VCV000262848.19), dbSNP rs79414550, ClinGen allele CA5153229.